The following is an entry in ClinVar:

NM_001001548.3(CD36):c.1409C>T (p.Thr470Ile)

Gene: CD36 (CD36 molecule (CD36 blood group); plus strand). Cytogenetic location: 7q21.11.
Variant type: single nucleotide variant.
Coding change: c.1409C>T on transcript NM_001001548.3 (MANE Select); coding-DNA position 1409, C replaced by T.
Protein change: p.Thr470Ile; replaces threonine 470 with isoleucine.
Molecular consequence: missense variant. On other transcripts: non-coding transcript variant (1).
Genome position (GRCh38, 1-based): chr7:80,674,137, C>T. VCF-style: chr7-80674137-C-T. GRCh37 (hg19) VCF-style: chr7-80303453-C-T.
Other names: c.1181C>T, p.Thr394Ile (NM_001289911.2); c.1409C>T, p.Thr470Ile (NM_001371074.1, NM_001371075.1, NM_001371077.1 and 5 more transcripts); c.1307C>T, p.Thr436Ile (NM_001371079.1); c.944C>T, p.Thr315Ile (NM_001371080.1, NM_001371081.1); c.1292C>T, p.Thr431Ile (NM_001289908.1); c.1229C>T, p.Thr410Ile (NM_001289909.1); short protein forms T410I, T431I, T315I, T436I, T394I, T470I.
Identifiers: ClinVar variation 910756 (VCV000910756.6), dbSNP rs200771788, ClinGen allele CA4315847.

ClinVar aggregate classification (germline): Uncertain significance. Review status: criteria provided, single submitter (1 of 4 stars). 2 submissions from 2 submitters: Uncertain significance (1). 1 of the submissions does not count toward it. Last evaluated 2017-04-27.

Conditions:
CD36-related disorder. Also called: CD36-related disorders; CD36-related condition.
Platelet-type bleeding disorder 10. Also called: CD36 DEFICIENCY. Identifiers: MedGen C1842090, MONDO:0012031, OMIM 608404.

Allele frequency attached by ClinVar (database versions not stated): gnomAD exomes 0.00003 and 0.00010; ExAC 0.00005; TOPMed 0.00008; 1000 Genomes Project 0.00040; gnomAD 0.00005 and 0.00006.
gnomAD v4.1: 51 of 1,609,544 alleles (0.0032%); highest among the groups gnomAD compares: East Asian, 0.11%; no homozygotes.

Submissions (2):

Illumina Laboratory Services, Illumina
Classification: Uncertain significance for Platelet-type bleeding disorder 10. Last evaluated: 2017-04-27. Review status: criteria provided, single submitter. Criteria: ICSL Variant Classification Criteria 13 December 2019. Collection method: clinical testing. Allele origin: germline.
Comment: This variant was observed as part of a predisposition screen in an ostensibly healthy population. A literature search was performed for the gene, cDNA change, and amino acid change (where applicable). Publications were found based on this search. However, the evidence from the literature, in combination with allele frequency data from public databases where available, was not sufficient to rule this variant in or out of causing disease. Therefore, this variant is classified as a variant of unknown significance.

PreventionGenetics, part of Exact Sciences
Classification: Uncertain significance for CD36-related condition. Last evaluated: 2024-08-29. Review status: no assertion criteria provided. Collection method: clinical testing. Allele origin: germline. Not counted in ClinVar's aggregate classification.
Comment: The CD36 c.1409C>T variant is predicted to result in the amino acid substitution p.Thr470Ile. This variant was reported in the compound heterozygous state in an individual with atypical hemolytic uremic syndrome (Tseng et al. 2019. PubMed ID: 30905589). This variant has also been reported in a cohort study of CD36 genotype-phenotype relationship (Xu et al. 2014. PubMed ID: 24960640). This variant is reported in 0.13% of alleles in individuals of East Asian descent in gnomAD. At this time, the clinical significance of this variant is uncertain due to the absence of conclusive functional and genetic evidence.

Literature cited by the submitters: PubMed 24960640 (cited by Illumina Laboratory Services, Illumina).